The following is an entry in ClinVar:

ClinVar aggregate classification (germline): Pathogenic/Likely pathogenic. Review status: criteria provided, multiple submitters, no conflicts (2 of 4 stars). 3 submissions from 3 submitters: Pathogenic (2); Likely pathogenic (1). Last evaluated 2026-04-20.

Conditions:
Cardiovascular phenotype. Identifiers: MedGen CN230736.
Arrhythmogenic right ventricular dysplasia 9 (ARVD9). Also called: Arrhythmogenic Right Ventricular Dysplasia/Cardiomyopathy 9; ARRHYTHMOGENIC RIGHT VENTRICULAR DYSPLASIA, FAMILIAL, 9. Identifiers: MedGen C1836906, MONDO:0012180, OMIM 609040.

Submissions (3):

GeneDx
Classification: Likely pathogenic. Last evaluated: 2026-04-20. Review status: criteria provided, single submitter. Criteria: GeneDx Variant Classification Process June 2021. Collection method: clinical testing. Allele origin: germline.
Comment: Has been reported in individuals with arrhythmogenic right ventricular cardiomyopathy (ARVC) (PMID: 34191271, 38493454, 36573600); Not observed at significant frequency in large population cohorts (gnomAD); Frameshift variant predicted to result in protein truncation or nonsense mediated decay in a gene for which loss of function is a known mechanism of disease; This variant is associated with the following publications: (PMID: 34191271, 38493454, 36573600)

Labcorp Genetics (formerly Invitae), Labcorp
Classification: Pathogenic for Arrhythmogenic right ventricular dysplasia 9. Last evaluated: 2025-10-25. Review status: criteria provided, single submitter. Criteria: Invitae Variant Classification Sherloc (09022015). Collection method: clinical testing. Allele origin: germline.
Comment: This sequence change creates a premature translational stop signal (p.His318Trpfs*10) in the PKP2 gene. It is expected to result in an absent or disrupted protein product. Loss-of-function variants in PKP2 are known to be pathogenic (PMID: 15489853, 17041889, 23911551). This variant is present in population databases (no rsID available, gnomAD 0.0009%). This variant has not been reported in the literature in individuals affected with PKP2-related conditions. ClinVar contains an entry for this variant (Variation ID: 406552). For these reasons, this variant has been classified as Pathogenic.

Ambry Genetics
Classification: Pathogenic for Cardiovascular phenotype. Last evaluated: 2025-05-01. Review status: criteria provided, single submitter. Criteria: Ambry Variant Classification Scheme 2023. Collection method: clinical testing. Allele origin: germline.
Comment: The c.929_951dup23 variant, located in coding exon 3 of the PKP2 gene, results from a duplication of TGGATTCCAGCGGGAGGAGAGCG at nucleotide position 929, causing a translational frameshift with a predicted alternate stop codon (p.H318Wfs*10). This alteration is expected to result in loss of function by premature protein truncation or nonsense-mediated mRNA decay. As such, this alteration is interpreted as a disease-causing mutation.

Literature cited by the submitters: PubMed 15489853 (cited by Labcorp Genetics (formerly Invitae), Labcorp); PubMed 17041889 (cited by Labcorp Genetics (formerly Invitae), Labcorp); PubMed 23911551 (cited by Labcorp Genetics (formerly Invitae), Labcorp).

NM_001005242.3(PKP2):c.929_951dup (p.His318fs)

Gene: PKP2 (plakophilin 2; minus strand). Cytogenetic location: 12p11.21.
Variant type: Duplication.
Coding change: c.929_951dup on transcript NM_001005242.3 (MANE Select); coding-DNA positions 929 to 951, 23 bases duplicated (TGGATTCCAGCGGGAGGAGAGCG).
Protein change: p.His318fs; shifts the reading frame from histidine 318.
Molecular consequence: frameshift variant.
Genome position (GRCh38, 1-based): chr12:32,877,929-32,877,951, CGCTCTCCTCCCGCTGGAATCCA duplicated on the plus strand (TGGATTCCAGCGGGAGGAGAGCG on the coding strand, the reverse complement: PKP2 is on the minus strand); duplicating any 23 consecutive bases within chr12:32,877,929-32,877,953 gives the same sequence; the c. name uses the placement nearest the transcript's 3' end. VCF-style (leftmost placement, unchanged base first): chr12-32877928-G-GCGCTCTCCTCCCGCTGGAATCCA. GRCh37 (hg19) VCF-style: chr12-33030862-G-GCGCTCTCCTCCCGCTGGAATCCA.
Other names: c.929_951dup, p.His318fs (NM_004572.4); c.929_951dupTGGATTCCAGCGGGAGGAGAGCG (NM_004572.3); short protein forms H318fs.
Identifiers: ClinVar variation 406552 (VCV000406552.10), dbSNP rs1064792927, ClinGen allele CA16613731.
Genomic context (GRCh38, chr12:32,877,928, plus strand): 5'-TGCTTCTCTCAGTGAGCAGATTCCCACTTCCCCCTGCGGCCGCCTGGCCGACAGTCAAGT[G>GCGCTCTCCTCCCGCTGGAATCCA]CGCTCTCCTCCCGCTGGAATCCACGGCGACACTGGGCCCAGCTTCCCTCAGCGTGCGGGT-3'